The following is an entry in ClinVar:

NM_007294.4(BRCA1):c.815_824dup (p.Thr276fs)

Gene: BRCA1 (BRCA1 DNA repair associated; minus strand). Cytogenetic location: 17q21.31.
Variant type: Duplication.
Coding change: c.815_824dup on transcript NM_007294.4 (MANE Select); coding-DNA positions 815 to 824, 10 bases duplicated (AGCCATGTGG; older notation c.815_824dupAGCCATGTGG).
Protein change: p.Thr276fs; shifts the reading frame from threonine 276.
Molecular consequence: frameshift variant. On other transcripts: 5 prime UTR variant (2), intron variant (137).
Genome position (GRCh38, 1-based): chr17:43,094,707-43,094,716, CCACATGGCT duplicated on the plus strand (AGCCATGTGG on the coding strand, the reverse complement: BRCA1 is on the minus strand); duplicating any 10 consecutive bases within chr17:43,094,707-43,094,723 gives the same sequence; the c. name uses the placement nearest the transcript's 3' end. VCF-style (leftmost placement, unchanged base first): chr17-43094706-G-GCCACATGGCT. GRCh37 (hg19) VCF-style: chr17-41246723-G-GCCACATGGCT.
Other names: 943ins10-ter275; c.815_824dupAGCCATGTGG (NM_007294.3); c.602_611dup, p.Thr205fs (NM_001407571.1, NM_001407853.1, NM_001407894.1 and 9 more transcripts); c.815_824dup, p.Thr276fs (NM_001407581.1, NM_001407582.1, NM_001407583.1 and 30 more transcripts); c.812_821dup, p.Thr275fs (NM_001407587.1, NM_001407590.1, NM_001407591.1 and 22 more transcripts); c.806_815dup, p.Thr273fs (NM_001407646.1, NM_001407647.1); c.692_701dup, p.Thr235fs (NM_001407648.1, NM_001407664.1, NM_001407665.1 and 19 more transcripts); c.689_698dup, p.Thr234fs (NM_001407649.1, NM_001407670.1, NM_001407671.1 and 11 more transcripts); and 42 more; short protein forms T229fs, T276fs, T164fs, T165fs, T205fs, T206fs, T234fs, T250fs.
Identifiers: ClinVar variation 55723 (VCV000055723.71), dbSNP rs387906563, ClinGen allele CA003921.

ClinVar aggregate classification (germline): Pathogenic. Review status: reviewed by expert panel (3 of 4 stars). 31 submissions from 30 submitters: Pathogenic (1). 30 of the submissions do not count toward it. Last evaluated 2016-10-18.

Conditions:
Inherited breast cancer and ovarian cancer.
Fanconi anemia, complementation group S (FANCS). Identifiers: MedGen C4554406, MONDO:0054748, OMIM 617883.
Pancreatic cancer, susceptibility to, 4. Identifiers: Orphanet 1333, MedGen C3280442, MONDO:0013685, OMIM 614320.
Breast-ovarian cancer, familial, susceptibility to, 1 (BROVCA1). Also called: BRCA1 Hereditary Breast and Ovarian Cancer; OVARIAN CANCER, SUSCEPTIBILITY TO. Identifiers: Orphanet 145, MedGen C2676676, MONDO:0011450, OMIM 604370. Disease mechanism: loss of function.
Familial cancer of breast. Also called: BREAST CANCER, FAMILIAL; hereditary breast carcinoma; Hereditary breast cancer. Identifiers: Orphanet 227535, MedGen C0346153, MONDO:0016419, OMIM 114480. Disease mechanism: loss of function.
BRCA1-related disorder. Also called: BRCA1-related condition.
Breast and/or ovarian cancer. Identifiers: MedGen CN221562.
Hereditary cancer-predisposing syndrome. Also called: Hereditary Cancer Syndrome; Tumor predisposition; Neoplastic Syndromes, Hereditary; Hereditary neoplastic syndrome. Identifiers: Orphanet 140162, MedGen C0027672, MeSH D009386, MONDO:0015356.
Hereditary breast ovarian cancer syndrome. Also called: Breast and ovarian cancer; BRCA1- and BRCA2-Associated Hereditary Breast and Ovarian Cancer; Hereditary breast and ovarian cancer; Hereditary breast and ovarian cancer syndrome (HBOC); Hereditary breast and ovarian cancer syndrome; Hereditary breast and/or ovarian cancer syndrome. Identifiers: Orphanet 145, MedGen C0677776, MeSH D061325, MONDO:0003582. Disease mechanism: loss of function.

Submissions 1 to 8 of 31:

Evidence-based Network for the Interpretation of Germline Mutant Alleles (ENIGMA)
Classification: Pathogenic for Breast-ovarian cancer, familial, susceptibility to, 1. Last evaluated: 2016-10-18. Review status: reviewed by expert panel. Criteria: ENIGMA BRCA1/2 Classification Criteria (2015). Collection method: curation. Allele origin: germline.
Comment: Variant allele predicted to encode a truncated non-functional protein.

Genetics Laboratory, Great Ormond Street Hospital NHS Foundation Trust, North Thames Genomic Laboratory Hub
Classification: Pathogenic for Inherited breast cancer and ovarian cancer. Last evaluated: 2026-02-09. Review status: criteria provided, single submitter. Criteria: CanVIG BRCA Gene Specific V1.22. Collection method: clinical testing. Allele origin: germline. Affected: yes. Not counted in ClinVar's aggregate classification.
Comment: PS4_supporting, PVS1_very-strong, PM5_strong

Labcorp Genetics (formerly Invitae), Labcorp
Classification: Pathogenic for Hereditary breast ovarian cancer syndrome. Last evaluated: 2026-01-27. Review status: criteria provided, single submitter. Criteria: Invitae Variant Classification Sherloc (09022015). Collection method: clinical testing. Allele origin: germline. Not counted in ClinVar's aggregate classification.
Comment: This sequence change creates a premature translational stop signal (p.Thr276Alafs*14) in the BRCA1 gene. It is expected to result in an absent or disrupted protein product. Loss-of-function variants in BRCA1 are known to be pathogenic (PMID: 20104584). This variant is present in population databases (rs387906563, gnomAD 0.004%). This premature translational stop signal has been observed in individual(s) with breast and ovarian cancer (PMID: 9150149, 10417303, 26681312, 28503720). This variant is also known as 926ins10, ter289, and 943ins10. ClinVar contains an entry for this variant (Variation ID: 55723). For these reasons, this variant has been classified as Pathogenic.

Institute for Genomic Medicine (IGM) Clinical Laboratory, Nationwide Children's Hospital
Classification: Pathogenic for Hereditary cancer-predisposing syndrome. Last evaluated: 2025-10-23. Review status: criteria provided, single submitter. Criteria: ACMG Guidelines, 2015. Collection method: clinical testing. Allele origin: germline. Not counted in ClinVar's aggregate classification.
Comment: This variant is predicted to result in loss of function through nonsense-mediated decay of the encoded transcript or premature truncation of the encoded protein in a gene in which loss of function is a known mechanism of disease (ACMG/AMP: PVS1). This variant has been reported at an elevated frequency in affected individuals/in multiple affected individuals in the literature (ACMG/AMP: PS4; PMIDs:28503720, 28944232, 32025337, 33083949).

CeGaT Center for Human Genetics Tuebingen
Classification: Pathogenic. Last evaluated: 2025-07-01. Review status: criteria provided, single submitter. Criteria: CeGaT Center For Human Genetics Tuebingen Variant Classification Criteria Version 2. Collection method: clinical testing. Allele origin: germline. Affected: yes. Observed: 2 variant alleles. Not counted in ClinVar's aggregate classification.
Comment: BRCA1: PVS1, PM2, PS4:Moderate

Dasa
Classification: Pathogenic for Breast-ovarian cancer, familial, susceptibility to, 1. Last evaluated: 2025-05-21. Review status: criteria provided, single submitter. Criteria: DASA Assertion Criteria. Collection method: clinical testing. Allele origin: germline. Not counted in ClinVar's aggregate classification.
Comment: NM_007294.4(BRCA1):c.815_824dup (p.Thr276Alafs*14) is a frameshift variant in BRCA1 predicted to alter the reading frame and introduce a premature termination codon and is predicted to result in an absent or altered protein product. Loss of function is an established disease mechanism for BRCA1 (PMID: 32375709; PMID: 21989022; PMID: 11802209). The affected residue or protein region has prior evidence supporting clinical relevance. Also, this variant is rare in population databases. Based on the currently available evidence, this variant is classified as pathogenic.

Molecular Diagnostics Laboratory, Catalan Institute of Oncology
Classification: Pathogenic for Hereditary cancer-predisposing syndrome. Last evaluated: 2025-04-13. Review status: criteria provided, single submitter. Criteria: ClinGen BRCA1BRCA2 ACMG Specifications BRCA1 V1.0.0. Collection method: clinical testing. Allele origin: germline. Not counted in ClinVar's aggregate classification.
Comment: PVS1, PM5_PTC_strong c.815_824dup, located in exon 10 of the BRCA1 gene, consists in the duplication of 10 nucleotides, causing a translational frameshift with a predicted alternate stop codon (p.(Thr276AlafsTer14)). This alteration isexpected to result in loss of function by premature protein truncation and nonsense-mediated mRNA decay (PVS1, PM5_PTC_strong). This variant is found in 2/267630 alleles at a frequency of 0.0007% in the gnomAD v2.1.1 database, non-cancer dataset. The SpliceAI algorithm predicts no significant impact on splicing. To our knowledge, neither relevant clinical data nor well-stablished functional studies have been reported for this variant. It has been reported as a pathogenic variant in ClinVar, LOVD and BRCA Exchange. Based on the currently available information, c.815_824dup is classified as a pathogenic variant according to ClinGen-BRCA1 Guidelines version 1.

Women's Health and Genetics/Laboratory Corporation of America, LabCorp
Classification: Pathogenic for Hereditary breast ovarian cancer syndrome. Last evaluated: 2025-03-03. Review status: criteria provided, single submitter. Criteria: LabCorp Variant Classification Summary - May 2015. Collection method: clinical testing. Allele origin: germline. Not counted in ClinVar's aggregate classification.
Comment: Variant summary: BRCA1 c.815_824dup10 (p.Thr276AlafsX14) results in a premature termination codon, predicted to cause a truncation of the encoded protein or absence of the protein due to nonsense mediated decay, which are commonly known mechanisms for disease. Truncations downstream of this position have been classified as pathogenic by our laboratory. The variant allele was found at a frequency of 4e-06 in 250772 control chromosomes. c.815_824dup10 has been reported in the literature in multiple individuals affected with Hereditary Breast and Ovarian Cancer (example, Stoppa-Lyonnet_1997, Mefford_1999, Pangaluri_1999). These data indicate that the variant is very likely to be associated with disease. No experimental evidence demonstrating an impact on protein function was ascertained in the context of this evaluation. Eleven clinical diagnostic laboratories and one expert panel (ENIGMA) have submitted clinical-significance assessments for this variant to ClinVar after 2014 without evidence for independent evaluation. All laboratories classified the variant as pathogenic. Based on the evidence outlined above, the variant was classified as pathogenic.